The following is an entry in ClinVar:

NM_021813.4(BACH2):c.1585G>C (p.Ala529Pro)

Gene: BACH2 (BACH transcriptional regulator 2; minus strand). Cytogenetic location: 6q15.
Variant type: single nucleotide variant.
Coding change: c.1585G>C on transcript NM_021813.4 (MANE Select); coding-DNA position 1585, G replaced by C.
Protein change: p.Ala529Pro; replaces alanine 529 with proline.
Molecular consequence: missense variant.
Genome position (GRCh38, 1-based): chr6:89,950,521, C>G on the plus strand (G>C on the coding strand, the complement: BACH2 is on the minus strand). VCF-style: chr6-89950521-C-G. GRCh37 (hg19) VCF-style: chr6-90660240-C-G.
Other names: c.1585G>C, p.Ala529Pro (NM_001170794.2); short protein forms A529P.
Identifiers: ClinVar variation 4779285 (VCV004779285.1).

ClinVar aggregate classification (germline): Uncertain significance (1 of 4 stars; one submission).

gnomAD v4.1: 4 of 1,613,432 alleles (0.00025%); highest among the groups gnomAD compares: Non-Finnish European, 0.00034%; no homozygotes.

Submission:

Labcorp Genetics (formerly Invitae), Labcorp
Classification: Uncertain significance. Last evaluated: 2025-04-14. Review status: criteria provided, single submitter. Criteria: Invitae Variant Classification Sherloc (09022015). Collection method: clinical testing. Allele origin: germline.
Comment: This sequence change replaces alanine, which is neutral and non-polar, with proline, which is neutral and non-polar, at codon 529 of the BACH2 protein (p.Ala529Pro). This variant is not present in population databases (gnomAD no frequency). This variant has not been reported in the literature in individuals affected with BACH2-related conditions. Invitae Evidence Modeling of protein sequence and biophysical properties (such as structural, functional, and spatial information, amino acid conservation, physicochemical variation, residue mobility, and thermodynamic stability) indicates that this missense variant is not expected to disrupt BACH2 protein function with a negative predictive value of 80%. In summary, the available evidence is currently insufficient to determine the role of this variant in disease. Therefore, it has been classified as a Variant of Uncertain Significance.